The following is an entry in ClinVar:

NM_000179.3(MSH6):c.3744C>G (p.His1248Gln)

Gene: MSH6 (mutS homolog 6; plus strand). Cytogenetic location: 2p16.3.
Variant type: single nucleotide variant.
Coding change: c.3744C>G on transcript NM_000179.3 (MANE Select); coding-DNA position 3744, C replaced by G.
Protein change: p.His1248Gln; replaces histidine 1248 with glutamine.
Molecular consequence: missense variant.
Genome position (GRCh38, 1-based): chr2:47,806,301, C>G. VCF-style: chr2-47806301-C-G. GRCh37 (hg19) VCF-style: chr2-48033440-C-G.
Other names: c.3354C>G, p.His1118Gln (NM_001281492.2); c.2838C>G, p.His946Gln (NM_001281493.2, NM_001281494.2); short protein forms H946Q, H1248Q, H1118Q.
Identifiers: ClinVar variation 848639 (VCV000848639.21), dbSNP rs1670056970, ClinGen allele CA346761061.

ClinVar aggregate classification (germline): Uncertain significance. Review status: criteria provided, multiple submitters, no conflicts (2 of 4 stars). 6 submissions from 6 submitters: Uncertain significance (6). Last evaluated 2025-11-04.

Conditions:
Endometrial carcinoma. Also called: Endometrial carcinoma, somatic. Identifiers: MedGen C0476089, MONDO:0002447, OMIM 608089, HP:0012114.
Hereditary nonpolyposis colorectal neoplasms. Identifiers: MedGen C0009405, MeSH D003123.
Hereditary cancer-predisposing syndrome. Also called: Neoplastic Syndromes, Hereditary; Hereditary neoplastic syndrome; Tumor predisposition; Hereditary Cancer Syndrome. Identifiers: Orphanet 140162, MedGen C0027672, MeSH D009386, MONDO:0015356.
Lynch syndrome. Identifiers: Orphanet 144, MedGen C4552100, MONDO:0005835. Disease mechanism: loss of function.

Allele frequency attached by ClinVar (database versions not stated): gnomAD 0.00001; TOPMed 0.00001.
gnomAD v4.1: 2 of 1,613,946 alleles (0.00012%); highest among the groups gnomAD compares: Non-Finnish European, 0.00017%; no homozygotes.

Submissions (6):

Color Diagnostics, LLC DBA Color Health
Classification: Uncertain significance for Hereditary cancer-predisposing syndrome. Last evaluated: 2025-11-04. Review status: criteria provided, single submitter. Criteria: ACMG Guidelines, 2015. Collection method: clinical testing. Allele origin: germline.
Comment: This missense variant replaces histidine with glutamine at codon 1248 of the MSH6 protein. Computational prediction suggests that this variant may have deleterious impact on protein structure and function. To our knowledge, functional studies have not been reported for this variant. This variant has not been reported in individuals affected with MSH6-related disorders in the literature. This variant has not been identified in the general population by the Genome Aggregation Database (gnomAD). The available evidence is insufficient to determine the role of this variant in disease conclusively. Therefore, this variant is classified as a Variant of Uncertain Significance.

Labcorp Genetics (formerly Invitae), Labcorp
Classification: Uncertain significance for Hereditary nonpolyposis colorectal neoplasms. Last evaluated: 2025-08-06. Review status: criteria provided, single submitter. Criteria: Invitae Variant Classification Sherloc (09022015). Collection method: clinical testing. Allele origin: germline.
Comment: This sequence change replaces histidine, which is basic and polar, with glutamine, which is neutral and polar, at codon 1248 of the MSH6 protein (p.His1248Gln). This variant is not present in population databases (gnomAD no frequency). This variant has not been reported in the literature in individuals affected with MSH6-related conditions. ClinVar contains an entry for this variant (Variation ID: 848639). Invitae Evidence Modeling of protein sequence and biophysical properties (such as structural, functional, and spatial information, amino acid conservation, physicochemical variation, residue mobility, and thermodynamic stability) indicates that this missense variant is expected to disrupt MSH6 protein function with a positive predictive value of 95%. In summary, the available evidence is currently insufficient to determine the role of this variant in disease. Therefore, it has been classified as a Variant of Uncertain Significance.

GeneDx
Classification: Uncertain significance. Last evaluated: 2024-08-20. Review status: criteria provided, single submitter. Criteria: GeneDx Variant Classification Process June 2021. Collection method: clinical testing. Allele origin: germline.
Comment: Not observed at significant frequency in large population cohorts (gnomAD); In silico analysis supports that this missense variant has a deleterious effect on protein structure/function; Has not been previously published as pathogenic or benign to our knowledge; This variant is associated with the following publications: (PMID: 17531815, 21120944)

Ambry Genetics
Classification: Uncertain significance for Hereditary cancer-predisposing syndrome. Last evaluated: 2024-07-24. Review status: criteria provided, single submitter. Criteria: Ambry Variant Classification Scheme 2023. Collection method: clinical testing. Allele origin: germline.
Comment: The p.H1248Q variant (also known as c.3744C>G), located in coding exon 8 of the MSH6 gene, results from a C to G substitution at nucleotide position 3744. The histidine at codon 1248 is replaced by glutamine, an amino acid with highly similar properties. This amino acid position is highly conserved in available vertebrate species. In addition, this alteration is predicted to be deleterious by in silico analysis. Based on the available evidence, the clinical significance of this variant remains unclear.

All of Us Research Program, National Institutes of Health
Classification: Uncertain significance for Lynch syndrome. Last evaluated: 2023-11-20. Review status: criteria provided, single submitter. Criteria: ACMG Guidelines, 2015. Collection method: clinical testing. Allele origin: germline. Inheritance: Autosomal dominant inheritance. Observed: 2 variant alleles, 2 heterozygotes.
Comment: This missense variant replaces histidine with glutamine at codon 1248 of the MSH6 protein. Computational prediction suggests that this variant may have deleterious impact on protein structure and function (internally defined REVEL score threshold >= 0.7, PMID: 27666373). To our knowledge, functional studies have not been reported for this variant. This variant has not been reported in individuals affected with MSH6-related disorders in the literature. This variant has not been identified in the general population by the Genome Aggregation Database (gnomAD). The available evidence is insufficient to determine the role of this variant in disease conclusively. Therefore, this variant is classified as a Variant of Uncertain Significance.

This study involves interpretation of variants in research participants for the purpose of population health screening. Participant phenotype was not available at the time of variant classification. Additional details can be found in publication PMID: 35346344, PMCID: PMC8962531

Baylor Genetics
Classification: Uncertain significance for Endometrial carcinoma. Last evaluated: 2023-05-11. Review status: criteria provided, single submitter. Criteria: ACMG Guidelines, 2015. Collection method: clinical testing. Allele origin: unknown.